The following is an entry in ClinVar:

ClinVar aggregate classification (germline): Uncertain significance (1 of 4 stars; one submission).

Conditions:
Inborn genetic diseases. Identifiers: MedGen C0950123, MeSH D030342.

Submission:

Ambry Genetics
Classification: Uncertain significance for Inborn genetic diseases. Last evaluated: 2026-05-02. Review status: criteria provided, single submitter. Criteria: Ambry Variant Classification Scheme 2023. Collection method: clinical testing. Allele origin: germline.
Comment: The p.L1075R variant (also known as c.3224T>G), located in coding exon 32 of the FANCA gene, results from a T to G substitution at nucleotide position 3224. The leucine at codon 1075 is replaced by arginine, an amino acid with dissimilar properties. This amino acid position is conserved. In addition, this alteration is predicted to be deleterious by in silico analysis. Based on the available evidence, the clinical significance of this variant remains unclear.

NM_000135.4(FANCA):c.3224T>G (p.Leu1075Arg)

Gene: FANCA (FA complementation group A; minus strand). Cytogenetic location: 16q24.3.
Variant type: single nucleotide variant.
Coding change: c.3224T>G on transcript NM_000135.4 (MANE Select); coding-DNA position 3224, T replaced by G.
Protein change: p.Leu1075Arg; replaces leucine 1075 with arginine.
Molecular consequence: missense variant.
Genome position (GRCh38, 1-based): chr16:89,749,745, A>C on the plus strand (T>G on the coding strand, the complement: FANCA is on the minus strand). VCF-style: chr16-89749745-A-C. GRCh37 (hg19) VCF-style: chr16-89816153-A-C.
Other names: c.3224T>G, p.Leu1075Arg (NM_001286167.3); short protein forms L1075R.
Identifiers: ClinVar variation 2554756 (VCV002554756.3), dbSNP rs766559253, ClinGen allele CA397486446.